The following is an entry in ClinVar:

ClinVar aggregate classification (germline): Uncertain significance (1 of 4 stars; one submission).

Submission:

GeneDx
Classification: Uncertain significance. Last evaluated: 2024-01-05. Review status: criteria provided, single submitter. Criteria: GeneDx Variant Classification Process June 2021. Collection method: clinical testing. Allele origin: germline. Affected: yes.
Comment: Not observed at significant frequency in large population cohorts (gnomAD); In silico analysis supports that this missense variant does not alter protein structure/function; Has not been previously published as pathogenic or benign to our knowledge

NM_005909.5(MAP1B):c.7213T>G (p.Leu2405Val)

Gene: MAP1B (microtubule associated protein 1B; plus strand). Cytogenetic location: 5q13.2.
Variant type: single nucleotide variant.
Coding change: c.7213T>G on transcript NM_005909.5 (MANE Select); coding-DNA position 7213, T replaced by G.
Protein change: p.Leu2405Val; replaces leucine 2405 with valine.
Molecular consequence: missense variant.
Genome position (GRCh38, 1-based): chr5:72,203,763, T>G. VCF-style: chr5-72203763-T-G. GRCh37 (hg19) VCF-style: chr5-71499590-T-G.
Other names: c.6835T>G, p.Leu2279Val (NM_001324255.2); short protein forms L2279V, L2405V.
Identifiers: ClinVar variation 3367575 (VCV003367575.1).